The following is an entry in ClinVar:

ClinVar aggregate classification (germline): Pathogenic/Likely pathogenic. Review status: criteria provided, multiple submitters, no conflicts (2 of 4 stars). 2 submissions from 2 submitters: Pathogenic (1); Likely pathogenic (1). Last evaluated 2022-12-13.

Conditions:
Stickler syndrome type 1 (STL1). Also called: ARTHROOPHTHALMOPATHY, HEREDITARY PROGRESSIVE; STICKLER SYNDROME, MEMBRANOUS VITREOUS TYPE; STICKLER SYNDROME, VITREOUS TYPE 1; COL2A1-Related Stickler Syndrome. Identifiers: Orphanet 828, Orphanet 90653, MedGen C2020284, MONDO:0007160, OMIM 108300.

Submissions (2):

Labcorp Genetics (formerly Invitae), Labcorp
Classification: Likely pathogenic. Last evaluated: 2022-12-13. Review status: criteria provided, single submitter. Criteria: Invitae Variant Classification Sherloc (09022015). Collection method: clinical testing. Allele origin: germline.
Comment: In summary, the currently available evidence indicates that the variant is pathogenic, but additional data are needed to prove that conclusively. Therefore, this variant has been classified as Likely Pathogenic. Algorithms developed to predict the effect of sequence changes on RNA splicing suggest that this variant may disrupt the consensus splice site. ClinVar contains an entry for this variant (Variation ID: 807558). This variant has not been reported in the literature in individuals affected with COL2A1-related conditions. This variant is not present in population databases (gnomAD no frequency). This sequence change affects an acceptor splice site in intron 50 of the COL2A1 gene. It is expected to disrupt RNA splicing. Variants that disrupt the donor or acceptor splice site typically lead to a loss of protein function (PMID: 16199547), and loss-of-function variants in COL2A1 are known to be pathogenic (PMID: 20179744).

Institute of Human Genetics Munich, TUM University Hospital
Classification: Pathogenic for Stickler syndrome type 1. Last evaluated: 2020-01-17. Review status: criteria provided, single submitter. Criteria: Classification criteria August 2017. Collection method: clinical testing. Allele origin: de novo. Inheritance: Autosomal dominant inheritance. Affected: yes. Observed: 1 heterozygote.

Literature cited by the submitters: PubMed 16199547 (cited by Labcorp Genetics (formerly Invitae), Labcorp); PubMed 20179744 (cited by Labcorp Genetics (formerly Invitae), Labcorp).

NM_001844.5(COL2A1):c.3598-1G>A

Gene: COL2A1 (collagen type II alpha 1 chain; minus strand). Cytogenetic location: 12q13.11.
Variant type: single nucleotide variant.
Coding change: c.3598-1G>A on transcript NM_001844.5 (MANE Select); the canonical splice acceptor site of the intron before coding-DNA position 3598, G replaced by A.
Molecular consequence: splice acceptor variant.
Genome position (GRCh38, 1-based): chr12:47,975,606, C>T on the plus strand (G>A on the coding strand, the complement: COL2A1 is on the minus strand). VCF-style: chr12-47975606-C-T. GRCh37 (hg19) VCF-style: chr12-48369389-C-T.
Other names: c.3391-1G>A (NM_033150.3).
Identifiers: ClinVar variation 807558 (VCV000807558.6), dbSNP rs1592196867, ClinGen allele CA384537241.